The following is an entry in ClinVar:

ClinVar aggregate classification (germline): Uncertain significance. Review status: criteria provided, multiple submitters, no conflicts (2 of 4 stars). 3 submissions from 3 submitters: Uncertain significance (3). Last evaluated 2026-07-01.

Conditions:
Malignant hyperthermia, susceptibility to, 1 (MHS1). Also called: Anesthesia related hyperthermia; Malignant hyperpyrexia; Fulminating hyperpyrexia; Pharmacogenic myopathy; RYR1-Related Malignant Hyperthermia Susceptibility; Malignant hyperthermia suceptibility 1. Identifiers: Orphanet 423, MedGen C2930980, MONDO:0007783, OMIM 145600.
Inborn genetic diseases. Identifiers: MedGen C0950123, MeSH D030342.
RYR1-related disorder. Also called: RYR1-related condition; RYR1-related disorders. Identifiers: MedGen CN239331.

Allele frequency attached by ClinVar (database versions not stated): gnomAD 0.00001; TOPMed 0.00001; gnomAD exomes 0.00002; ExAC 0.00001.
gnomAD v4.1: 15 of 1,614,064 alleles (0.00093%); highest among the groups gnomAD compares: Middle Eastern, 0.016%; no homozygotes.

Submissions (3):

Ambry Genetics
Classification: Uncertain significance for Inborn genetic diseases. Last evaluated: 2026-07-01. Review status: criteria provided, single submitter. Criteria: Ambry Variant Classification Scheme 2023. Collection method: clinical testing. Allele origin: germline.
Comment: The p.D3666N variant (also known as c.10996G>A), located in coding exon 75 of the RYR1 gene, results from a G to A substitution at nucleotide position 10996. The aspartic acid at codon 3666 is replaced by asparagine, an amino acid with highly similar properties. This amino acid position is conserved. In addition, this alteration is predicted to be tolerated by in silico analysis. Based on the available evidence, the clinical significance of this variant remains unclear.

All of Us Research Program, National Institutes of Health
Classification: Uncertain significance for Malignant hyperthermia, susceptibility to, 1. Last evaluated: 2024-08-06. Review status: criteria provided, single submitter. Criteria: ACMG Guidelines, 2015. Collection method: clinical testing. Allele origin: germline. Inheritance: Autosomal dominant inheritance. Observed: 3 variant alleles, 3 heterozygotes.
Comment: This missense variant replaces aspartic acid with asparagine at codon 3666 of the RYR1 protein. Computational prediction suggests that this variant may not impact protein structure and function (internally defined REVEL score threshold <= 0.5, PMID: 27666373). To our knowledge, functional studies have not been reported for this variant. This variant has not been reported in individuals affected with RYR1-related disorders in the literature. This variant has been identified in 4/251464 chromosomes in the general population by the Genome Aggregation Database (gnomAD). The available evidence is insufficient to determine the role of this variant in disease conclusively. Therefore, this variant is classified as a Variant of Uncertain Significance.

This study involves interpretation of variants in research participants for the purpose of population health screening. Participant phenotype was not available at the time of variant classification. Additional details can be found in publication PMID: 35346344, PMCID: PMC8962531

Labcorp Genetics (formerly Invitae), Labcorp
Classification: Uncertain significance for RYR1-related disorder. Last evaluated: 2024-03-24. Review status: criteria provided, single submitter. Criteria: Invitae Variant Classification Sherloc (09022015). Collection method: clinical testing. Allele origin: germline.
Comment: This sequence change replaces aspartic acid, which is acidic and polar, with asparagine, which is neutral and polar, at codon 3666 of the RYR1 protein (p.Asp3666Asn). This variant is present in population databases (rs770941901, gnomAD 0.004%). This variant has not been reported in the literature in individuals affected with RYR1-related conditions. Advanced modeling of protein sequence and biophysical properties (such as structural, functional, and spatial information, amino acid conservation, physicochemical variation, residue mobility, and thermodynamic stability) performed at Invitae indicates that this missense variant is not expected to disrupt RYR1 protein function with a negative predictive value of 95%. In summary, the available evidence is currently insufficient to determine the role of this variant in disease. Therefore, it has been classified as a Variant of Uncertain Significance.

NM_000540.3(RYR1):c.10996G>A (p.Asp3666Asn)

Gene: RYR1 (ryanodine receptor 1; plus strand). Cytogenetic location: 19q13.2.
Variant type: single nucleotide variant.
Coding change: c.10996G>A on transcript NM_000540.3 (MANE Select); coding-DNA position 10996, G replaced by A.
Protein change: p.Asp3666Asn; replaces aspartic acid 3666 with asparagine.
Molecular consequence: missense variant.
Genome position (GRCh38, 1-based): chr19:38,528,657, G>A. VCF-style: chr19-38528657-G-A. GRCh37 (hg19) VCF-style: chr19-39019297-G-A.
Other names: c.10981G>A, p.Asp3661Asn (NM_001042723.2); short protein forms D3661N, D3666N.
Identifiers: ClinVar variation 3070280 (VCV003070280.4), dbSNP rs770941901, ClinGen allele CA055520.